The following is an entry in ClinVar:

NM_017763.6(RNF43):c.-4T>C

Gene: RNF43 (ring finger protein 43; minus strand). Cytogenetic location: 17q22.
Variant type: single nucleotide variant.
Coding change: c.-4T>C on transcript NM_017763.6 (MANE Select); 4 bases upstream of the start codon, T replaced by C.
Molecular consequence: 5 prime UTR variant.
Genome position (GRCh38, 1-based): chr17:58,415,581, A>G on the plus strand (T>C on the coding strand, the complement: RNF43 is on the minus strand). VCF-style: chr17-58415581-A-G. GRCh37 (hg19) VCF-style: chr17-56492942-A-G.
Other names: c.-4T>C (NM_001305544.3).
Identifiers: ClinVar variation 3946813 (VCV003946813.1).

ClinVar aggregate classification (germline): Uncertain significance (1 of 4 stars; one submission).

gnomAD v4.1: 19 of 1,605,696 alleles (0.0012%); highest among the groups gnomAD compares: Non-Finnish European, 0.0016%; no homozygotes.

Submission:

Ambry Genetics
Classification: Uncertain significance. Last evaluated: 2025-04-10. Review status: criteria provided, single submitter. Criteria: Ambry Variant Classification Scheme 2023. Collection method: clinical testing. Allele origin: germline.
Comment: The c.-4T>C variant is located in the 5' untranslated region (5&rsquo; UTR) of the RNF43 gene. This variant results from a T to C substitution 4 bases upstream from the first translated codon. This nucleotide position is not well conserved in available vertebrate species. The evidence for this gene-disease relationship is limited; therefore, the clinical significance of this alteration is unclear.